The following is an entry in ClinVar:

ClinVar aggregate classification (germline): Benign/Likely benign. Review status: criteria provided, multiple submitters, no conflicts (2 of 4 stars). 8 submissions from 8 submitters: Benign (6); Likely benign (2). Last evaluated 2026-01-19.

Conditions:
Collagen 6-related myopathy. Identifiers: MedGen CN117976, MONDO:0100225.
Bethlem myopathy 1A. Also called: MYOPATHY, BENIGN CONGENITAL, WITH CONTRACTURES; Bethlem myopathy 1; Bethlem Muscular Dystrophy. Identifiers: Orphanet 610, MedGen CN029274, MONDO:0024530, OMIM 158810.

Allele frequency attached by ClinVar (database versions not stated): ExAC 0.00155; 1000 Genomes Project 0.00319; 1000 Genomes Project 30x 0.00390; gnomAD 0.00394 and 0.00426; TOPMed 0.00403; ESP Exome Variant Server 0.00484.
gnomAD v4.1: 1,271 of 1,613,360 alleles (0.079%); highest among the groups gnomAD compares: African/African-American, 1.3%; 12 homozygotes.

Submissions (8):

Labcorp Genetics (formerly Invitae), Labcorp
Classification: Benign for Bethlem myopathy 1A. Last evaluated: 2026-01-19. Review status: criteria provided, single submitter. Criteria: Invitae Variant Classification Sherloc (09022015). Collection method: clinical testing. Allele origin: germline.

Mayo Clinic Laboratories, Mayo Clinic
Classification: Benign. Last evaluated: 2024-10-01. Review status: criteria provided, single submitter. Criteria: ACMG Guidelines, 2015. Collection method: clinical testing. Allele origin: germline. Observed: 2 variant alleles.
Comment: BS1, BS2, BP4, BP7

CeGaT Center for Human Genetics Tuebingen
Classification: Likely benign. Last evaluated: 2024-09-01. Review status: criteria provided, single submitter. Criteria: CeGaT Center For Human Genetics Tuebingen Variant Classification Criteria Version 2. Collection method: clinical testing. Allele origin: germline. Affected: yes. Observed: 2 variant alleles.
Comment: COL6A1: BP4, BP7, BS1

Blueprint Genetics
Classification: Likely benign. Last evaluated: 2024-06-13. Review status: criteria provided, single submitter. Criteria: ACMG Guidelines, 2015. Collection method: clinical testing. Allele origin: germline.

GeneDx
Classification: Benign. Last evaluated: 2019-11-18. Review status: criteria provided, single submitter. Criteria: GeneDx Variant Classification Process June 2021. Collection method: clinical testing. Allele origin: germline. Affected: yes.

Illumina Laboratory Services, Illumina
Classification: Benign for Collagen VI-related myopathy. Last evaluated: 2018-01-12. Review status: criteria provided, single submitter. Criteria: ICSL Variant Classification Criteria 13 December 2019. Collection method: clinical testing. Allele origin: germline.
Comment: This variant was observed in the ICSL laboratory as part of a predisposition screen in an ostensibly healthy population. It had not been previously curated by ICSL or reported in the Human Gene Mutation Database (HGMD: prior to June 1st, 2018), and was therefore a candidate for classification through an automated scoring system. Utilizing variant allele frequency, disease prevalence and penetrance estimates, and inheritance mode, an automated score was calculated to assess if this variant is too frequent to cause the disease. Based on the score and internal cut-off values, a variant classified as benign is not then subjected to further curation. The score for this variant resulted in a classification of benign for this disease.

Eurofins Ntd Llc (ga)
Classification: Benign. Last evaluated: 2012-08-27. Review status: criteria provided, single submitter. Criteria: EGL Classification Definitions 2015. Collection method: clinical testing. Allele origin: germline. Observed: 2 variant alleles, 2 heterozygotes.

Breakthrough Genomics
Classification: Benign. Review status: criteria provided, single submitter. Criteria: ACMG Guidelines, 2015. Collection method: not provided. Allele origin: germline. Inheritance: Autosomal recessive inheritance. Affected: yes.

NM_001848.3(COL6A1):c.1056C>T (p.Asp352=)

Gene: COL6A1 (collagen type VI alpha 1 chain; plus strand). Cytogenetic location: 21q22.3.
Variant type: single nucleotide variant.
Coding change: c.1056C>T on transcript NM_001848.3 (MANE Select); coding-DNA position 1056, C replaced by T.
Protein change: p.Asp352=; no amino-acid change (aspartic acid 352 retained).
Molecular consequence: synonymous variant.
Genome position (GRCh38, 1-based): chr21:45,990,826, C>T. VCF-style: chr21-45990826-C-T. GRCh37 (hg19) VCF-style: chr21-47410740-C-T.
Other names: p.Asp352=.
Identifiers: ClinVar variation 93803 (VCV000093803.50), dbSNP rs116343553, ClinGen allele CA147307.